The following is an entry in ClinVar:

ClinVar aggregate classification (germline): Likely benign. Review status: criteria provided, multiple submitters, no conflicts (2 of 4 stars). 4 submissions from 4 submitters: Likely benign (3). 1 of the submissions does not count toward it. Last evaluated 2026-05-01.

Conditions:
ARID1B-Related Disorder. Identifiers: MedGen CN381337.
Inborn genetic diseases. Identifiers: MedGen C0950123, MeSH D030342.

Allele frequency attached by ClinVar (database versions not stated): gnomAD 0.00002; gnomAD exomes 0.00003; TOPMed 0.00004; ESP Exome Variant Server 0.00008.
gnomAD v4.1: 161 of 1,612,998 alleles (0.01%); highest among the groups gnomAD compares: Non-Finnish European, 0.013%; no homozygotes.

Submissions (4):

CeGaT Center for Human Genetics Tuebingen
Classification: Likely benign. Last evaluated: 2026-05-01. Review status: criteria provided, single submitter. Criteria: CeGaT Center For Human Genetics Tuebingen Variant Classification Criteria Version 2. Collection method: clinical testing. Allele origin: germline. Affected: yes. Observed: 1 variant allele.
Comment: ARID1B: BP4, BP7

Labcorp Genetics (formerly Invitae), Labcorp
Classification: Likely benign. Last evaluated: 2023-12-13. Review status: criteria provided, single submitter. Criteria: Invitae Variant Classification Sherloc (09022015). Collection method: clinical testing. Allele origin: germline.

Ambry Genetics
Classification: Likely benign for Inborn genetic diseases. Last evaluated: 2016-10-04. Review status: criteria provided, single submitter. Criteria: Ambry Variant Classification Scheme 2023. Collection method: clinical testing. Allele origin: germline.

PreventionGenetics, part of Exact Sciences
Classification: Likely benign for ARID1B-related condition. Last evaluated: 2019-04-29. Review status: no assertion criteria provided. Collection method: clinical testing. Allele origin: germline. Not counted in ClinVar's aggregate classification.
Comment: This variant is classified as likely benign based on ACMG/AMP sequence variant interpretation guidelines (Richards et al. 2015 PMID: 25741868, with internal and published modifications).

NM_001374828.1(ARID1B):c.2130G>A (p.Pro710=)

Gene: ARID1B (AT-rich interaction domain 1B; plus strand). Cytogenetic location: 6q25.3.
Variant type: single nucleotide variant.
Coding change: c.2130G>A on transcript NM_001374828.1 (MANE Select); coding-DNA position 2130, G replaced by A.
Protein change: p.Pro710=; no amino-acid change (proline 710 retained).
Molecular consequence: synonymous variant.
Genome position (GRCh38, 1-based): chr6:156,901,519, G>A. VCF-style: chr6-156901519-G-A. GRCh37 (hg19) VCF-style: chr6-157222653-G-A.
Other names: c.2169G>A, p.Pro723= (NM_001371656.1, NM_001374820.1); c.2130G>A, p.Pro710= (NM_017519.3); c.1920G>A, p.Pro640= (NM_020732.3).
Identifiers: ClinVar variation 589421 (VCV000589421.12), dbSNP rs374876774, ClinGen allele CA4066935.